The following is an entry in ClinVar:

NM_001013838.3(CARMIL2):c.726dup (p.Gln243fs)

Gene: CARMIL2 (capping protein regulator and myosin 1 linker 2; plus strand). Cytogenetic location: 16q22.1.
Variant type: Duplication.
Coding change: c.726dup on transcript NM_001013838.3 (MANE Select); coding-DNA position 726, one base duplicated (T; older notation c.726dupT).
Protein change: p.Gln243fs; shifts the reading frame from glutamine 243.
Molecular consequence: frameshift variant.
Genome position (GRCh38, 1-based): chr16:67,647,337, T duplicated. VCF-style (leftmost placement, unchanged base first): chr16-67647336-G-GT. GRCh37 (hg19) VCF-style: chr16-67681239-G-GT.
Other names: c.726dup, p.Gln243fs (NM_001317026.3, NM_001438244.1, NM_001438835.1); short protein forms Q243fs.
Identifiers: ClinVar variation 4722048 (VCV004722048.1).

ClinVar aggregate classification (germline): Pathogenic (1 of 4 stars; one submission).

Submission:

Labcorp Genetics (formerly Invitae), Labcorp
Classification: Pathogenic. Last evaluated: 2025-07-07. Review status: criteria provided, single submitter. Criteria: Invitae Variant Classification Sherloc (09022015). Collection method: clinical testing. Allele origin: germline.
Comment: This sequence change creates a premature translational stop signal (p.Gln243Serfs*47) in the CARMIL2 gene. It is expected to result in an absent or disrupted protein product. Loss-of-function variants in CARMIL2 are known to be pathogenic (PMID: 27647349, 28112205). This variant is present in population databases (rs773575883, gnomAD 0.001%). This variant has not been reported in the literature in individuals affected with CARMIL2-related conditions. Algorithms developed to predict the effect of sequence changes on RNA splicing suggest that this variant may disrupt the consensus splice site. For these reasons, this variant has been classified as Pathogenic.

Literature cited by the submitters: PubMed 27647349; PubMed 28112205.